The following is an entry in ClinVar:

NC_000003.12:g.149202241_149202242dup

Gene: CP (ceruloplasmin; minus strand). Cytogenetic location: 3q25.1.
Variant type: Duplication.
Genome position: GRCh38 VCF-style: chr3-149202239-T-TCA. GRCh37 (hg19) VCF-style: chr3-148920026-T-TCA.
Other names: c.1211-2dupTG.
Identifiers: ClinVar variation 42131 (VCV000042131.4), dbSNP rs386134138, ClinGen allele CA344588.
Genomic context (GRCh38, chr3:149,202,239, plus strand): 5'-ACCAGCTTTTTATAAGAGCCTCCAATTCTTGTGGTACCTTGTTCAAAAAACACCGCTGAG[T>TCA]CACTGCAGGGGGAAAAAAGTGTTTAATGCTGGGGTTGAAGTAGAACAGAAAGCAGGTATT-3'

ClinVar aggregate classification (germline): Pathogenic. Review status: criteria provided, single submitter (1 of 4 stars). 2 submissions from 2 submitters: Pathogenic (1). 1 of the submissions does not count toward it. Last evaluated 2024-09-03.

Conditions:
CP-related disorders.
Deficiency of ferroxidase (ACEP). Also called: Deficiency of ceruloplasmin; NEURODEGENERATION WITH BRAIN IRON ACCUMULATION 10; Aceruloplasminemia; Ceruloplasmin deficiency; Familial apoceruloplasmin deficiency; Hereditary ceruloplasmin deficiency. Identifiers: Orphanet 48818, MedGen C0878682, MONDO:0011426, OMIM 604290, HP:0025498.

Submissions (2):

Blueprint Genetics
Classification: Pathogenic for CP-related disorders. Last evaluated: 2024-09-03. Review status: criteria provided, single submitter. Criteria: ACMG Guidelines, 2015. Collection method: clinical testing. Allele origin: germline. Affected: yes. Observed: 2 variant alleles.

GeneReviews
Classification: Pathogenic for Aceruloplasminemia. Last evaluated: 2013-04-18. Review status: no assertion criteria provided. Collection method: curation. Allele origin: unknown. Not counted in ClinVar's aggregate classification.
ClinVar note: Converted during submission from pathologic to Pathogenic.